The following is an entry in ClinVar:

NM_005422.4(TECTA):c.4055G>A (p.Cys1352Tyr)

Genes: TBCEL-TECTA (TBCEL-TECTA readthrough; plus strand), TECTA (tectorin alpha; plus strand). Cytogenetic location: 11q23.3.
Variant type: single nucleotide variant.
Coding change: c.4055G>A on transcript NM_005422.4 (MANE Select); coding-DNA position 4055, G replaced by A.
Protein change: p.Cys1352Tyr; replaces cysteine 1352 with tyrosine.
Molecular consequence: missense variant.
Genome position (GRCh38, 1-based): chr11:121,146,066, G>A. VCF-style: chr11-121146066-G-A. GRCh37 (hg19) VCF-style: chr11-121016775-G-A.
Other names: c.5012G>A, p.Cys1671Tyr (NM_001378761.1); short protein forms C1352Y, C1671Y.
Identifiers: ClinVar variation 288931 (VCV000288931.8), dbSNP rs749186691, ClinGen allele CA6327344.
Genomic context (GRCh38, chr11:121,146,066, plus strand): 5'-GCATCGATGGGGGCGCGGTGCAGACCGCCTGCAGCTGGCTGCAGAACTACGCCAGCACCT[G>A]CCAGACTCAGGGGATTACGGTGACTGGCTGGAGGAATTACACGTCCTGCAGTGAGTCCTT-3'
Protein context (NP_005413.2, residues 1342-1362): CSWLQNYAST[Cys1352Tyr]QTQGITVTGW

ClinVar aggregate classification (germline): Conflicting classifications of pathogenicity. Review status: criteria provided, conflicting classifications (1 of 4 stars). 4 submissions from 4 submitters: Likely pathogenic (1); Uncertain significance (1). 2 of the submissions do not count toward it. Last evaluated 2025-09-30.

Conditions:
Autosomal dominant nonsyndromic hearing loss 12. Also called: DEAFNESS, AUTOSOMAL DOMINANT 8. Identifiers: Orphanet 90635, MedGen C1832187, MONDO:0011102, OMIM 601543.
TECTA-related disorder. Also called: TECTA-related condition.

Allele frequency attached by ClinVar (database versions not stated): ExAC 0.00001; gnomAD 0.00001 and 0.00002; gnomAD exomes 0.00003; TOPMed 0.00003.
gnomAD v4.1: 42 of 1,612,814 alleles (0.0026%); highest among the groups gnomAD compares: Non-Finnish European, 0.0033%; no homozygotes.

Submissions (4):

Labcorp Genetics (formerly Invitae), Labcorp
Classification: Uncertain significance. Last evaluated: 2025-09-30. Review status: criteria provided, single submitter. Criteria: Invitae Variant Classification Sherloc (09022015). Collection method: clinical testing. Allele origin: germline.
Comment: This sequence change replaces cysteine, which is neutral and slightly polar, with tyrosine, which is neutral and polar, at codon 1352 of the TECTA protein (p.Cys1352Tyr). This variant is present in population databases (rs749186691, gnomAD 0.007%). This missense change has been observed in individual(s) with nonsyndromic deafness (PMID: 16283880, 33297549). ClinVar contains an entry for this variant (Variation ID: 288931). Invitae Evidence Modeling of protein sequence and biophysical properties (such as structural, functional, and spatial information, amino acid conservation, physicochemical variation, residue mobility, and thermodynamic stability) indicates that this missense variant is expected to disrupt TECTA protein function with a positive predictive value of 95%. In summary, the available evidence is currently insufficient to determine the role of this variant in disease. Therefore, it has been classified as a Variant of Uncertain Significance.

Blueprint Genetics
Classification: Likely pathogenic for TECTA-related disorders. Last evaluated: 2018-05-07. Review status: criteria provided, single submitter. Criteria: ACMG Guidelines, 2015. Collection method: clinical testing. Allele origin: germline. Affected: yes. Observed: 1 variant allele.

Diagnostics Centre, Carl Von Ossietzky University Oldenburg
Classification: Likely pathogenic for Autosomal dominant nonsyndromic hearing loss 12. Last evaluated: 2024-04-18. Review status: no assertion criteria provided. Collection method: clinical testing. Allele origin: germline. Affected: yes. Observed: 1 variant allele. Not counted in ClinVar's aggregate classification.
Comment: The variant TECTA:c.5012G>A, located in the coding exon 12 of TECTA gene, results from a guanine to adenine substitution at nucleotide position 5012. The cysteine residue at protein position 1671 is replaced by a tyrosine. The affected position is located in the well-established C8 domain of TECTA which is relevant for the protein function. Variants affecting cysteines in the TECTA gene and in particular in the C8 domains have been described multiple affected patients with hearing impairment (e.g. PMIDs: 16718611, 25413827, 31554319). In silico tools predict a severe deleterious effect of the variant in protein structure/function (REVEL = 0,94). The variant has been classified in one entry in ClinVar as Variant of uncertain significance (Clinvar ID: 288931). This variant is classified as very rare in the overall population (MAF 2,6*e-5 in gnomAD, v4.1.0). In summary, the variant is classified as likely pathogenic.

Eurofins Ntd Llc (ga)
Classification: Uncertain significance. Last evaluated: 2016-07-19. Review status: flagged submission. Criteria: EGL Classification Definitions 2015. Collection method: clinical testing. Allele origin: germline. Observed: 1 variant allele, 1 heterozygote. Not counted in ClinVar's aggregate classification.
ClinVar note: Reason: Older claim that does not account for recent evidence

Literature cited by the submitters: PubMed 16283880 (cited by Labcorp Genetics (formerly Invitae), Labcorp); PubMed 33297549 (cited by Labcorp Genetics (formerly Invitae), Labcorp); PubMed 16718611 (cited by Diagnostics Centre, Carl Von Ossietzky University Oldenburg); PubMed 25413827 (cited by Diagnostics Centre, Carl Von Ossietzky University Oldenburg); PubMed 31554319 (cited by Diagnostics Centre, Carl Von Ossietzky University Oldenburg).